The following is an entry in ClinVar:

NM_015570.4(AUTS2):c.2287G>A (p.Gly763Arg)

Gene: AUTS2 (activator of transcription and developmental regulator AUTS2; plus strand). Cytogenetic location: 7q11.22.
Variant type: single nucleotide variant.
Coding change: c.2287G>A on transcript NM_015570.4 (MANE Select); coding-DNA position 2287, G replaced by A.
Protein change: p.Gly763Arg; replaces glycine 763 with arginine.
Molecular consequence: missense variant.
Genome position (GRCh38, 1-based): chr7:70,786,017, G>A. VCF-style: chr7-70786017-G-A. GRCh37 (hg19) VCF-style: chr7-70251003-G-A.
Other names: c.2215G>A, p.Gly739Arg (NM_001127231.3); short protein forms G739R, G763R.
Identifiers: ClinVar variation 2707438 (VCV002707438.3), dbSNP rs2484920061, ClinGen allele CA367663752.

ClinVar aggregate classification (germline): Uncertain significance (1 of 4 stars; one submission).

Submission:

Labcorp Genetics (formerly Invitae), Labcorp
Classification: Uncertain significance. Last evaluated: 2024-04-10. Review status: criteria provided, single submitter. Criteria: Invitae Variant Classification Sherloc (09022015). Collection method: clinical testing. Allele origin: germline.
Comment: This sequence change replaces glycine, which is neutral and non-polar, with arginine, which is basic and polar, at codon 763 of the AUTS2 protein (p.Gly763Arg). This variant is not present in population databases (gnomAD no frequency). This variant has not been reported in the literature in individuals affected with AUTS2-related conditions. Advanced modeling of protein sequence and biophysical properties (such as structural, functional, and spatial information, amino acid conservation, physicochemical variation, residue mobility, and thermodynamic stability) performed at Invitae indicates that this missense variant is not expected to disrupt AUTS2 protein function with a negative predictive value of 80%. In summary, the available evidence is currently insufficient to determine the role of this variant in disease. Therefore, it has been classified as a Variant of Uncertain Significance.